The following is an entry in ClinVar:

NM_020708.5(SLC12A5):c.*914T>C

Gene: SLC12A5 (solute carrier family 12 member 5; plus strand). Cytogenetic location: 20q13.12.
Variant type: single nucleotide variant.
Coding change: c.*914T>C on transcript NM_020708.5 (MANE Select); 914 bases downstream of the stop codon, T replaced by C.
Molecular consequence: 3 prime UTR variant.
Genome position (GRCh38, 1-based): chr20:46,058,519, T>C. VCF-style: chr20-46058519-T-C. GRCh37 (hg19) VCF-style: chr20-44687158-T-C.
Other names: c.*914T>C (NM_001134771.2).
Identifiers: ClinVar variation 3905306 (VCV003905306.10).

ClinVar aggregate classification (germline): Likely benign (1 of 4 stars; one submission).

Submission:

CeGaT Center for Human Genetics Tuebingen
Classification: Likely benign. Last evaluated: 2025-06-01. Review status: criteria provided, single submitter. Criteria: CeGaT Center For Human Genetics Tuebingen Variant Classification Criteria Version 2. Collection method: clinical testing. Allele origin: germline. Affected: yes. Observed: 1 variant allele.
Comment: SLC12A5: PM2:Supporting, BP4, BP7